The following is an entry in ClinVar:

NM_004839.4(HOMER2):c.708G>A (p.Thr236=)

Gene: HOMER2 (homer scaffold protein 2; minus strand). Cytogenetic location: 15q25.2.
Variant type: single nucleotide variant.
Coding change: c.708G>A on transcript NM_004839.4 (MANE Select); coding-DNA position 708, G replaced by A.
Protein change: p.Thr236=; no amino-acid change (threonine 236 retained).
Molecular consequence: synonymous variant.
Genome position (GRCh38, 1-based): chr15:82,852,196, C>T on the plus strand (G>A on the coding strand, the complement: HOMER2 is on the minus strand). VCF-style: chr15-82852196-C-T. GRCh37 (hg19) VCF-style: chr15-83520948-C-T.
Other names: c.741G>A, p.Thr247= (NM_199330.3).
Identifiers: ClinVar variation 5041128 (VCV005041128.1).
Genomic context (GRCh38, chr15:82,852,196, plus strand): 5'-ACTCACTGTCTCCTTTTCTCGGAGCTCTGCCTCCAGCTCCTCGATCCTCCTCTTCAGCTG[C>T]GTGTTCTTCTCCTTCTCTCTGTTGATCTCACTGCATTGTTCTTCCAGCTCATCAATCTTC-3'
Protein context (NP_004830.2, residues 226-246): SEINREKEKN[Thr236=]QLKRRIEELE

ClinVar aggregate classification (germline): Likely benign (1 of 4 stars; one submission).

gnomAD v4.1: 18 of 1,613,970 alleles (0.0011%); highest among the groups gnomAD compares: South Asian, 0.0033%; no homozygotes.

Submission:

CeGaT Center for Human Genetics Tuebingen
Classification: Likely benign. Last evaluated: 2026-09-01. Review status: criteria provided, single submitter. Criteria: CeGaT Center For Human Genetics Tuebingen Variant Classification Criteria Version 2. Collection method: clinical testing. Allele origin: germline. Affected: yes. Observed: 1 variant allele.
Comment: HOMER2: BP4, BP7